The following is an entry in ClinVar:

NM_014845.6(FIG4):c.1388+8T>A

Gene: FIG4 (FIG4 phosphoinositide 5-phosphatase; plus strand). Cytogenetic location: 6q21.
Variant type: single nucleotide variant.
Coding change: c.1388+8T>A on transcript NM_014845.6 (MANE Select); 8 bases into the intron after coding-DNA position 1388, T replaced by A.
Molecular consequence: intron variant.
Genome position (GRCh38, 1-based): chr6:109,762,215, T>A. VCF-style: chr6-109762215-T-A. GRCh37 (hg19) VCF-style: chr6-110083418-T-A.
Identifiers: ClinVar variation 1019573 (VCV001019573.7), dbSNP rs1255543487, ClinGen allele CA569597225.
Genomic context (GRCh38, chr6:109,762,215, plus strand): 5'-TTCTTTGTAAACCGCCCTGATTCTTACTGTAGCATTTTGCGGCCAGATGAAAAGTATGTA[T>A]GGTATTTTAAAACTTATAATAAATGATGATTTTTGCTCTTATGGGTATTCTAAATACAGC-3'

ClinVar aggregate classification (germline): Uncertain significance (1 of 4 stars; one submission).

Conditions:
Charcot-Marie-Tooth disease type 4. Also called: Charcot-Marie-Tooth, Type 4; Charcot-Marie-Tooth disease, type IV. Identifiers: Orphanet 64749, MedGen C4082197, MONDO:0018995.

Allele frequency attached by ClinVar (database versions not stated): gnomAD exomes below 0.00001.
gnomAD v4.1: 7 of 1,500,704 alleles (0.00047%); highest among the groups gnomAD compares: Non-Finnish European, 0.00056%; no homozygotes.

Submission:

Labcorp Genetics (formerly Invitae), Labcorp
Classification: Uncertain significance for Charcot-Marie-Tooth disease type 4. Last evaluated: 2020-09-30. Review status: criteria provided, single submitter. Criteria: Invitae Variant Classification Sherloc (09022015). Collection method: clinical testing. Allele origin: germline.
Comment: This variant is not present in population databases (ExAC no frequency). This sequence change falls in intron 12 of the FIG4 gene. It does not directly change the encoded amino acid sequence of the FIG4 protein. This variant has not been reported in the literature in individuals with FIG4-related conditions. Algorithms developed to predict the effect of sequence changes on RNA splicing suggest that this variant may create or strengthen a splice site, but this prediction has not been confirmed by published transcriptional studies. In summary, the available evidence is currently insufficient to determine the role of this variant in disease. Therefore, it has been classified as a Variant of Uncertain Significance.